The following is an entry in ClinVar:

ClinVar aggregate classification (germline): Uncertain significance. Review status: criteria provided, multiple submitters, no conflicts (2 of 4 stars). 2 submissions from 2 submitters: Uncertain significance (2). Last evaluated 2023-06-07.

Conditions:
Inborn genetic diseases. Identifiers: MedGen C0950123, MeSH D030342.

Allele frequency attached by ClinVar (database versions not stated): gnomAD 0.00001; gnomAD exomes 0.00001 and 0.00006; TOPMed 0.00006; ExAC 0.00007.

Submissions (2):

Ambry Genetics
Classification: Uncertain significance for Inborn genetic diseases. Last evaluated: 2023-06-07. Review status: criteria provided, single submitter. Criteria: Ambry Variant Classification Scheme 2023. Collection method: clinical testing. Allele origin: germline.

Labcorp Genetics (formerly Invitae), Labcorp
Classification: Uncertain significance. Last evaluated: 2021-08-26. Review status: criteria provided, single submitter. Criteria: Invitae Variant Classification Sherloc (09022015). Collection method: clinical testing. Allele origin: germline.
Comment: This sequence change replaces serine with phenylalanine at codon 273 of the KCNV2 protein (p.Ser273Phe). The serine residue is highly conserved and there is a large physicochemical difference between serine and phenylalanine. This variant is present in population databases (rs761705988, ExAC 0.1%). This variant has not been reported in the literature in individuals affected with KCNV2-related conditions. Advanced modeling of protein sequence and biophysical properties (such as structural, functional, and spatial information, amino acid conservation, physicochemical variation, residue mobility, and thermodynamic stability) performed at Invitae indicates that this missense variant is expected to disrupt KCNV2 protein function. In summary, the available evidence is currently insufficient to determine the role of this variant in disease. Therefore, it has been classified as a Variant of Uncertain Significance.

NM_133497.4(KCNV2):c.818C>T (p.Ser273Phe)

Gene: KCNV2 (potassium voltage-gated channel modifier subfamily V member 2; plus strand). Cytogenetic location: 9p24.2.
Variant type: single nucleotide variant.
Coding change: c.818C>T on transcript NM_133497.4 (MANE Select); coding-DNA position 818, C replaced by T.
Protein change: p.Ser273Phe; replaces serine 273 with phenylalanine.
Molecular consequence: missense variant.
Genome position (GRCh38, 1-based): chr9:2,718,557, C>T. VCF-style: chr9-2718557-C-T. GRCh37 (hg19) VCF-style: chr9-2718557-C-T.
Other names: c.818C>T (NM_133497.3); short protein forms S273F.
Identifiers: ClinVar variation 1353888 (VCV001353888.5), dbSNP rs761705988, ClinGen allele CA4965634.